The following is an entry in ClinVar:

ClinVar aggregate classification (germline): Likely benign. Review status: criteria provided, multiple submitters, no conflicts (2 of 4 stars). 4 submissions from 4 submitters: Likely benign (4). Last evaluated 2024-10-28.

Conditions:
Hyperkalemic periodic paralysis. Also called: Familial hyperkalemic periodic paralysis; Gamstorp disease. Identifiers: Orphanet 682, MedGen C0238357, MONDO:0008224, OMIM 170500, HP:0007215.

Allele frequency attached by ClinVar (database versions not stated): gnomAD exomes below 0.00001 and 0.00001; TOPMed below 0.00001; gnomAD 0.00001.

Submissions (4):

Labcorp Genetics (formerly Invitae), Labcorp
Classification: Likely benign for Hyperkalemic periodic paralysis. Last evaluated: 2024-10-28. Review status: criteria provided, single submitter. Criteria: Invitae Variant Classification Sherloc (09022015). Collection method: clinical testing. Allele origin: germline.

Blueprint Genetics
Classification: Likely benign. Last evaluated: 2023-07-12. Review status: criteria provided, single submitter. Criteria: ACMG Guidelines, 2015. Collection method: clinical testing. Allele origin: germline.

Athena Diagnostics
Classification: Likely benign. Last evaluated: 2019-11-27. Review status: criteria provided, single submitter. Criteria: Athena Diagnostics Criteria. Collection method: clinical testing. Allele origin: unknown.

GeneDx
Classification: Likely benign. Last evaluated: 2016-05-26. Review status: criteria provided, single submitter. Criteria: GeneDx Variant Classification (06012015). Collection method: clinical testing. Allele origin: germline. Affected: yes.
Comment: This variant is considered likely benign or benign based on one or more of the following criteria: it is a conservative change, it occurs at a poorly conserved position in the protein, it is predicted to be benign by multiple in silico algorithms, and/or has population frequency not consistent with disease.

NM_000334.4(SCN4A):c.2223C>T (p.Arg741=)

Genes: GH-LCR (growth hormone locus control region; plus strand), SCN4A (sodium voltage-gated channel alpha subunit 4; minus strand). Cytogenetic location: 17q23.3.
Variant type: single nucleotide variant.
Coding change: c.2223C>T on transcript NM_000334.4 (MANE Select); coding-DNA position 2223, C replaced by T.
Protein change: p.Arg741=; no amino-acid change (arginine 741 retained).
Molecular consequence: synonymous variant.
Genome position (GRCh38, 1-based): chr17:63,957,315, G>A on the plus strand (C>T on the coding strand, the complement: SCN4A is on the minus strand). VCF-style: chr17-63957315-G-A. GRCh37 (hg19) VCF-style: chr17-62034675-G-A.
Identifiers: ClinVar variation 385991 (VCV000385991.11), dbSNP rs1041781133, ClinGen allele CA16607816.
Genomic context (GRCh38, chr17:63,957,315, plus strand): 5'-CTCCCCGCACAGGATGCGGAAGACGATGAGGAAGGAGTGGAAGAAATCATGCATGTGCCA[G>A]CGCGGCAGGTTGCAGTCCAAGGCAATCTTGCACACGCACTCCTTGTAGCTCTTGCCAAAC-3'
Protein context (NP_000325.4, residues 731-751): CKIALDCNLP[Arg741=]WHMHDFFHSF